The following is an entry in ClinVar:

ClinVar aggregate classification (germline): Uncertain significance (1 of 4 stars; one submission).

Conditions:
POLD1-related polyposis and colorectal cancer syndrome (CRCS10). Also called: COLORECTAL CANCER, SUSCEPTIBILITY TO, ON CHROMOSOME 19q; Colorectal cancer 10; Colorectal cancer, susceptibility to, 10. Identifiers: Orphanet 220460, MedGen C2675481, MONDO:0012953, OMIM 612591.

gnomAD v4.1: 3 of 1,550,030 alleles (0.00019%); highest among the groups gnomAD compares: South Asian, 0.0036%; no homozygotes.

Submission:

Labcorp Genetics (formerly Invitae), Labcorp
Classification: Uncertain significance for POLD1-related polyposis and colorectal cancer syndrome. Last evaluated: 2025-12-03. Review status: criteria provided, single submitter. Criteria: Invitae Variant Classification Sherloc (09022015). Collection method: clinical testing. Allele origin: germline.
Comment: This sequence change replaces tyrosine, which is neutral and polar, with histidine, which is basic and polar, at codon 956 of the POLD1 protein (p.Tyr956His). This variant is present in population databases (rs766113083, gnomAD 0.004%). This variant has not been reported in the literature in individuals affected with POLD1-related conditions. Invitae Evidence Modeling of protein sequence and biophysical properties (such as structural, functional, and spatial information, amino acid conservation, physicochemical variation, residue mobility, and thermodynamic stability) indicates that this missense variant is not expected to disrupt POLD1 protein function with a negative predictive value of 80%. In summary, the available evidence is currently insufficient to determine the role of this variant in disease. Therefore, it has been classified as a Variant of Uncertain Significance.

NM_002691.4(POLD1):c.2866T>C (p.Tyr956His)

Gene: POLD1 (DNA polymerase delta 1, catalytic subunit; plus strand). Cytogenetic location: 19q13.33.
Variant type: single nucleotide variant.
Coding change: c.2866T>C on transcript NM_002691.4 (MANE Select); coding-DNA position 2866, T replaced by C.
Protein change: p.Tyr956His; replaces tyrosine 956 with histidine.
Molecular consequence: missense variant. On other transcripts: non-coding transcript variant (1).
Genome position (GRCh38, 1-based): chr19:50,416,441, T>C. VCF-style: chr19-50416441-T-C. GRCh37 (hg19) VCF-style: chr19-50919698-T-C.
Other names: c.2866T>C, p.Tyr956His (NM_001438212.1, NM_001438213.1, NM_001256849.1); c.2944T>C, p.Tyr982His (NM_001308632.1); c.2794T>C, p.Tyr932His (NM_001438210.1, NM_001438211.1); short protein forms Y956H, Y932H, Y982H.
Identifiers: ClinVar variation 4766918 (VCV004766918.1).